The following is an entry in ClinVar:

ClinVar aggregate classification (germline): Uncertain significance (1 of 4 stars; one submission).

gnomAD v4.1: 17 of 1,613,274 alleles (0.0011%); highest among the groups gnomAD compares: Non-Finnish European, 0.0014%; no homozygotes.

Submission:

Labcorp Genetics (formerly Invitae), Labcorp
Classification: Uncertain significance. Last evaluated: 2025-02-17. Review status: criteria provided, single submitter. Criteria: Invitae Variant Classification Sherloc (09022015). Collection method: clinical testing. Allele origin: germline.
Comment: This sequence change replaces cysteine, which is neutral and slightly polar, with tyrosine, which is neutral and polar, at codon 938 of the TAOK2 protein (p.Cys938Tyr). This variant is present in population databases (rs200702514, gnomAD 0.003%). This variant has not been reported in the literature in individuals affected with TAOK2-related conditions. An algorithm developed to predict the effect of missense changes on protein structure and function outputs the following: PolyPhen-2: "Benign". The tyrosine amino acid residue is found in multiple mammalian species, which suggests that this missense change does not adversely affect protein function. In summary, the available evidence is currently insufficient to determine the role of this variant in disease. Therefore, it has been classified as a Variant of Uncertain Significance.

NM_016151.4(TAOK2):c.2813G>A (p.Cys938Tyr)

Gene: TAOK2 (TAO kinase 2; plus strand). Cytogenetic location: 16p11.2.
Variant type: single nucleotide variant.
Coding change: c.2813G>A on transcript NM_016151.4 (MANE Select); coding-DNA position 2813, G replaced by A.
Protein change: p.Cys938Tyr; replaces cysteine 938 with tyrosine.
Molecular consequence: missense variant. On other transcripts: intron variant (1).
Genome position (GRCh38, 1-based): chr16:29,987,085, G>A. VCF-style: chr16-29987085-G-A. GRCh37 (hg19) VCF-style: chr16-29998406-G-A.
Other names: c.2474G>A, p.Cys825Tyr (NM_001252043.2); c.2232+581G>A (NM_004783.4); short protein forms C938Y, C825Y.
Identifiers: ClinVar variation 4695674 (VCV004695674.1).
Genomic context (GRCh38, chr16:29,987,085, plus strand): 5'-GAGATGGTTGTCCTTCCCCCGACATCCCTCCTGAACCCCCTCCAACACACCTGAGGCCCT[G>A]CCCTGCCAGCCAGCTCCCTGGACTCCTGTCCCATGGCCTCCTGGCCGGCCTCTCCTTTGC-3'
Protein context (NP_057235.2, residues 928-948): PEPPPTHLRP[Cys938Tyr]PASQLPGLLS